The following is an entry in ClinVar:

ClinVar aggregate classification (germline): Pathogenic (1 of 4 stars; one submission).

Conditions:
Van der Woude syndrome 1. Also called: CLEFT LIP AND/OR PALATE WITH MUCOUS CYSTS OF LOWER LIP; van der Woude Syndrome (VWS). Identifiers: MedGen C4551864, MONDO:0007333, OMIM 119300.

Submission:

Laboratory of Human Molecular Genetics, Federal University of Alagoas
Classification: Pathogenic for Van der Woude syndrome 1. Last evaluated: 2025-11-12. Review status: criteria provided, single submitter. Criteria: ACMG Guidelines, 2015. Collection method: research. Allele origin: germline. Inheritance: Autosomal dominant inheritance. Affected: yes. Observed: 1 homozygote.
Comment: The variant c.797T>C (p.Phe266Ile) in the IRF6 gene is classified as Pathogenic according to ACMG/AMP guidelines (Richards et al., 2015). This is a missense variant, currently not described in major public literature or databases. Paternity was verified using segregation analysis of other polymorphisms within the gene. This finding is consistent with the established autosomal dominant inheritance of Van der Woude Syndrome (VWS) caused by IRF6 mutations; PM1 (Moderate): The variant is located in the highly conserved SMIR functional domain (residues 250 to 370) of the IRF6 protein, which is essential for protein-protein dimerization and function; PM2 (Moderate): The variant is absent from or has an extremely low allele frequency in major population control databases, such as GnomAD (AF = 0.00); PP3 (Supporting): Multiple lines of computational evidence (e.g., SIFT, PolyPhen) predict a deleterious or damaging effect on protein function; PP4 (Supporting): The patient's phenotype, Van der Woude Syndrome (OMIM: 119300), is considered highly specific for pathogenic variants in the IRF6 gene. Conclusion: The combination of PS2 (Strong) with PM1 (Moderate) and PM2 (Moderate) meets the criteria for a Pathogenic classification (1 Strong + 2 Moderate), overriding all other criteria.

NM_006147.4(IRF6):c.797T>C (p.Phe266Ser)

Gene: IRF6 (interferon regulatory factor 6; minus strand). Cytogenetic location: 1q32.2.
Variant type: single nucleotide variant.
Coding change: c.797T>C on transcript NM_006147.4 (MANE Select); coding-DNA position 797, T replaced by C.
Protein change: p.Phe266Ser; replaces phenylalanine 266 with serine.
Molecular consequence: missense variant.
Genome position (GRCh38, 1-based): chr1:209,790,758, A>G on the plus strand (T>C on the coding strand, the complement: IRF6 is on the minus strand). VCF-style: chr1-209790758-A-G. GRCh37 (hg19) VCF-style: chr1-209964103-A-G.
Other names: c.512T>C, p.Phe171Ser (NM_001206696.2); short protein forms F171S, F266S.
Identifiers: ClinVar variation 4529474 (VCV004529474.1).
Genomic context (GRCh38, chr1:209,790,758, plus strand): 5'-TTCTCATTGGTAATATGCTCAGGACCTGGGAATTTGACCTGCTCCAGGCTGACGGGACCA[A>G]AGAGCTCCTCCTGGTCAGGCATGGGACCCAGGTCCCCATAGAAGAGTCGGCAGCCCTGAG-3'
Protein context (NP_006138.1, residues 256-276): LGPMPDQEEL[Phe266Ser]GPVSLEQVKF